The following is an entry in ClinVar:

ClinVar aggregate classification (germline): Likely benign (0 of 4 stars; one submission).

Conditions:
BAAT-related disorder. Also called: BAAT-related condition.

Allele frequency attached by ClinVar (database versions not stated): ExAC 0.00001; gnomAD exomes 0.00002.
gnomAD v4.1: 11 of 1,614,208 alleles (0.00068%); highest among the groups gnomAD compares: Non-Finnish European, 0.00085%; no homozygotes.

Submission:

PreventionGenetics, part of Exact Sciences
Classification: Likely benign for BAAT-related condition. Last evaluated: 2022-10-18. Review status: no assertion criteria provided. Collection method: clinical testing. Allele origin: germline.
Comment: This variant is classified as likely benign based on ACMG/AMP sequence variant interpretation guidelines (Richards et al. 2015 PMID: 25741868, with internal and published modifications).

NM_001701.4(BAAT):c.261A>T (p.Leu87=)

Gene: BAAT (bile acid-CoA:amino acid N-acyltransferase; minus strand). Cytogenetic location: 9q31.1.
Variant type: single nucleotide variant.
Coding change: c.261A>T on transcript NM_001701.4 (MANE Select); coding-DNA position 261, A replaced by T.
Protein change: p.Leu87=; no amino-acid change (leucine 87 retained).
Molecular consequence: synonymous variant.
Genome position (GRCh38, 1-based): chr9:101,371,144, T>A on the plus strand (A>T on the coding strand, the complement: BAAT is on the minus strand). VCF-style: chr9-101371144-T-A. GRCh37 (hg19) VCF-style: chr9-104133426-T-A.
Other names: c.261A>T, p.Leu87= (NM_001127610.2, NM_001374715.1).
Identifiers: ClinVar variation 3030550 (VCV003030550.2), dbSNP rs770597659, ClinGen allele CA5160759.